The following is an entry in ClinVar:

NM_007254.4(PNKP):c.60C>T (p.Pro20=)

Gene: PNKP (polynucleotide kinase 3'-phosphatase; minus strand). Cytogenetic location: 19q13.33.
Variant type: single nucleotide variant.
Coding change: c.60C>T on transcript NM_007254.4 (MANE Select); coding-DNA position 60, C replaced by T.
Protein change: p.Pro20=; no amino-acid change (proline 20 retained).
Molecular consequence: synonymous variant.
Genome position (GRCh38, 1-based): chr19:49,867,145, G>A on the plus strand (C>T on the coding strand, the complement: PNKP is on the minus strand). VCF-style: chr19-49867145-G-A. GRCh37 (hg19) VCF-style: chr19-50370402-G-A.
Identifiers: ClinVar variation 516924 (VCV000516924.9), dbSNP rs1037495706, ClinGen allele CA309502371.
Genomic context (GRCh38, chr19:49,867,145, plus strand): 5'-CTGGGTCAGGGGTCCCCTGCCCAGGACCAGGGCTTGCCCGTCCGAGGGCAGGAAGATGGG[G>A]GGCGCTCCCCCAGGGGGGCTCTCGAGCCACAAGCGGCCCGGGGCCTCCACCTCGCCCATC-3'
Protein context (NP_009185.2, residues 10-30): LWLESPPGGA[Pro20=]PIFLPSDGQA

ClinVar aggregate classification (germline): Likely benign. Review status: criteria provided, multiple submitters, no conflicts (2 of 4 stars). 2 submissions from 2 submitters: Likely benign (2). Last evaluated 2023-05-22.

Conditions:
Developmental and epileptic encephalopathy, 12 (DEE12). Identifiers: MedGen C3150988, MONDO:0013389, OMIM 613722.

Allele frequency attached by ClinVar (database versions not stated): gnomAD 0.00001; gnomAD exomes 0.00001; TOPMed 0.00002.
gnomAD v4.1: 11 of 1,612,660 alleles (0.00068%); highest among the groups gnomAD compares: African/African-American, 0.0013%; no homozygotes.

Submissions (2):

Labcorp Genetics (formerly Invitae), Labcorp
Classification: Likely benign for Developmental and epileptic encephalopathy, 12. Last evaluated: 2023-05-22. Review status: criteria provided, single submitter. Criteria: Invitae Variant Classification Sherloc (09022015). Collection method: clinical testing. Allele origin: germline.

GeneDx
Classification: Likely benign. Last evaluated: 2017-02-14. Review status: criteria provided, single submitter. Criteria: GeneDx Variant Classification (06012015). Collection method: clinical testing. Allele origin: germline. Affected: yes.
Comment: This variant is considered likely benign or benign based on one or more of the following criteria: it is a conservative change, it occurs at a poorly conserved position in the protein, it is predicted to be benign by multiple in silico algorithms, and/or has population frequency not consistent with disease.